The following is an entry in ClinVar:

NM_005876.5(SPEG):c.9349C>A (p.Pro3117Thr)

Genes: ASIC4-AS1 (ASIC4 antisense RNA 1; minus strand), SPEG (striated muscle enriched protein kinase; plus strand). Cytogenetic location: 2q35.
Variant type: single nucleotide variant.
Coding change: c.9349C>A on transcript NM_005876.5 (MANE Select); coding-DNA position 9349, C replaced by A.
Protein change: p.Pro3117Thr; replaces proline 3117 with threonine.
Molecular consequence: missense variant.
Genome position (GRCh38, 1-based): chr2:219,490,920, C>A. VCF-style: chr2-219490920-C-A. GRCh37 (hg19) VCF-style: chr2-220355642-C-A.
Other names: short protein forms P3117T.
Identifiers: ClinVar variation 1490389 (VCV001490389.6), dbSNP rs1372673639, ClinGen allele CA350716071.
Genomic context (GRCh38, chr2:219,490,920, plus strand): 5'-AATGCCCTCAAGATTGTGGACTTTGGCAGTGCCCAGCCCTACAACCCCCAGGCCCTTAGG[C>A]CCCTTGGCCACCGCACGGGCACGCTGGAGTTCATGGGTGAGGGGACCAGCTGCCAGCCAG-3'
Protein context (NP_005867.3, residues 3107-3127): AQPYNPQALR[Pro3117Thr]LGHRTGTLEF

ClinVar aggregate classification (germline): Uncertain significance (1 of 4 stars; one submission).

Allele frequency attached by ClinVar (database versions not stated): gnomAD exomes below 0.00001; gnomAD 0.00001.
gnomAD v4.1: 5 of 1,613,418 alleles (0.00031%); highest among the groups gnomAD compares: Middle Eastern, 0.049%; no homozygotes.

Submission:

Labcorp Genetics (formerly Invitae), Labcorp
Classification: Uncertain significance. Last evaluated: 2021-12-23. Review status: criteria provided, single submitter. Criteria: Invitae Variant Classification Sherloc (09022015). Collection method: clinical testing. Allele origin: germline.
Comment: This sequence change replaces proline, which is neutral and non-polar, with threonine, which is neutral and polar, at codon 3117 of the SPEG protein (p.Pro3117Thr). This variant is present in population databases (no rsID available, gnomAD no frequency). This variant has not been reported in the literature in individuals affected with SPEG-related conditions. Algorithms developed to predict the effect of missense changes on protein structure and function are either unavailable or do not agree on the potential impact of this missense change (SIFT: "Deleterious"; PolyPhen-2: "Possibly Damaging"; Align-GVGD: "Class C0"). In summary, the available evidence is currently insufficient to determine the role of this variant in disease. Therefore, it has been classified as a Variant of Uncertain Significance.